The following is an entry in ClinVar:

ClinVar aggregate classification (germline): Conflicting classifications of pathogenicity. Review status: criteria provided, conflicting classifications (1 of 4 stars). 5 submissions from 5 submitters: Uncertain significance (2); Likely benign (1). 2 of the submissions do not count toward it. Last evaluated 2025-07-30.

Conditions:
ATM-related disorder. Also called: ATM-related disorders; ATM-related condition.
Familial cancer of breast. Also called: hereditary breast carcinoma; BREAST CANCER, FAMILIAL; Hereditary breast cancer. Identifiers: Orphanet 227535, MedGen C0346153, MONDO:0016419, OMIM 114480. Disease mechanism: loss of function.
Ataxia-telangiectasia syndrome (AT). Also called: LOUIS-BAR SYNDROME; Ataxia-telangiectasia, complementation group E; Ataxia-telangiectasia, complementation group D; AT, COMPLEMENTATION GROUP C; Ataxia telangiectasia (A-T); Cerebello-oculocutaneous telangiectasia. Identifiers: Orphanet 100, MedGen C0004135, MONDO:0008840, OMIM 208900.
Hereditary cancer-predisposing syndrome. Also called: Neoplastic Syndromes, Hereditary; Hereditary Cancer Syndrome; Hereditary neoplastic syndrome; Tumor predisposition. Identifiers: Orphanet 140162, MedGen C0027672, MeSH D009386, MONDO:0015356.

Allele frequency attached by ClinVar (database versions not stated): gnomAD exomes below 0.00001; TOPMed below 0.00001.
gnomAD v4.1: 2 of 1,613,990 alleles (0.00012%); highest among the groups gnomAD compares: East Asian, 0.0022%; no homozygotes.

Submissions (5):

Labcorp Genetics (formerly Invitae), Labcorp
Classification: Uncertain significance for Ataxia-telangiectasia syndrome. Last evaluated: 2025-07-30. Review status: criteria provided, single submitter. Criteria: Invitae Variant Classification Sherloc (09022015). Collection method: clinical testing. Allele origin: germline.
Comment: This sequence change replaces aspartic acid, which is acidic and polar, with asparagine, which is neutral and polar, at codon 658 of the ATM protein (p.Asp658Asn). This variant is present in population databases (no rsID available, gnomAD 0.007%). This variant has not been reported in the literature in individuals affected with ATM-related conditions. ClinVar contains an entry for this variant (Variation ID: 642029). Invitae Evidence Modeling of protein sequence and biophysical properties (such as structural, functional, and spatial information, amino acid conservation, physicochemical variation, residue mobility, and thermodynamic stability) indicates that this missense variant is not expected to disrupt ATM protein function with a negative predictive value of 95%. In summary, the available evidence is currently insufficient to determine the role of this variant in disease. Therefore, it has been classified as a Variant of Uncertain Significance.

Ambry Genetics
Classification: Likely benign for Hereditary cancer-predisposing syndrome. Last evaluated: 2025-01-20. Review status: criteria provided, single submitter. Criteria: Ambry Variant Classification Scheme 2023. Collection method: clinical testing. Allele origin: germline.

Baylor Genetics
Classification: Uncertain significance for Familial cancer of breast. Last evaluated: 2023-06-26. Review status: criteria provided, single submitter. Criteria: ACMG Guidelines, 2015. Collection method: clinical testing. Allele origin: unknown.

PreventionGenetics, part of Exact Sciences
Classification: Uncertain significance for ATM-related condition. Last evaluated: 2024-09-20. Review status: no assertion criteria provided. Collection method: clinical testing. Allele origin: germline. Not counted in ClinVar's aggregate classification.
Comment: The ATM c.1972G>A variant is predicted to result in the amino acid substitution p.Asp658Asn. This variant has been reported in multiple healthy control individuals (Supplementary data 1, Momozawa et al. 2018. PubMed ID: 30287823; Supplementary Table 2, Okawa et al. 2022. PubMed ID: 36243179). This variant is reported in 0.0062% of alleles in individuals of African descent in gnomAD. This variant has an interpretation of uncertain significance in ClinVar. Although we suspect that this variant may be benign, at this time, the clinical significance of this variant is uncertain due to the absence of conclusive functional and genetic evidence.

Natera, Inc.
Classification: Uncertain significance for Ataxia-telangiectasia. Last evaluated: 2020-08-17. Review status: no assertion criteria provided. Collection method: clinical testing. Allele origin: germline. Not counted in ClinVar's aggregate classification.

Literature cited by the submitters: PubMed 30287823 (cited by Ambry Genetics).

NM_000051.4(ATM):c.1972G>A (p.Asp658Asn)

Gene: ATM (ATM serine/threonine kinase; plus strand). Cytogenetic location: 11q22.3.
Variant type: single nucleotide variant.
Coding change: c.1972G>A on transcript NM_000051.4 (MANE Select); coding-DNA position 1972, G replaced by A.
Protein change: p.Asp658Asn; replaces aspartic acid 658 with asparagine.
Molecular consequence: missense variant.
Genome position (GRCh38, 1-based): chr11:108,253,887, G>A. VCF-style: chr11-108253887-G-A. GRCh37 (hg19) VCF-style: chr11-108124614-G-A.
Other names: c.1972G>A, p.Asp658Asn (NM_001351834.2); short protein forms D658N.
Identifiers: ClinVar variation 642029 (VCV000642029.18), dbSNP rs1343017824, ClinGen allele CA382536833.